The following is an entry in ClinVar:

ClinVar aggregate classification (germline): Uncertain significance. Review status: criteria provided, multiple submitters, no conflicts (2 of 4 stars). 2 submissions from 2 submitters: Uncertain significance (2). Last evaluated 2023-11-10.

Conditions:
Juvenile polyposis syndrome (JPS). Identifiers: Orphanet 2929, MedGen C0345893, MONDO:0017380, OMIM 174900.

Submissions (2):

Labcorp Genetics (formerly Invitae), Labcorp
Classification: Uncertain significance for Juvenile polyposis syndrome. Last evaluated: 2023-11-10. Review status: criteria provided, single submitter. Criteria: Invitae Variant Classification Sherloc (09022015). Collection method: clinical testing. Allele origin: germline.
Comment: This sequence change replaces alanine, which is neutral and non-polar, with threonine, which is neutral and polar, at codon 359 of the BMPR1A protein (p.Ala359Thr). This variant is not present in population databases (gnomAD no frequency). This variant has not been reported in the literature in individuals affected with BMPR1A-related conditions. Advanced modeling of protein sequence and biophysical properties (such as structural, functional, and spatial information, amino acid conservation, physicochemical variation, residue mobility, and thermodynamic stability) has been performed at Invitae for this missense variant, however the output from this modeling did not meet the statistical confidence thresholds required to predict the impact of this variant on BMPR1A protein function. In summary, the available evidence is currently insufficient to determine the role of this variant in disease. Therefore, it has been classified as a Variant of Uncertain Significance.

GeneDx
Classification: Uncertain significance. Last evaluated: 2023-11-01. Review status: criteria provided, single submitter. Criteria: GeneDx Variant Classification Process June 2021. Collection method: clinical testing. Allele origin: germline. Affected: yes.
Comment: Not observed at significant frequency in large population cohorts (gnomAD); In silico analysis supports that this missense variant has a deleterious effect on protein structure/function; Has not been previously published as pathogenic or benign to our knowledge

NM_004329.3(BMPR1A):c.1075G>A (p.Ala359Thr)

Gene: BMPR1A (bone morphogenetic protein receptor type 1A; plus strand). Cytogenetic location: 10q23.2.
Variant type: single nucleotide variant.
Coding change: c.1075G>A on transcript NM_004329.3 (MANE Select); coding-DNA position 1075, G replaced by A.
Protein change: p.Ala359Thr; replaces alanine 359 with threonine.
Molecular consequence: missense variant. On other transcripts: non-coding transcript variant (3).
Genome position (GRCh38, 1-based): chr10:86,919,378, G>A. VCF-style: chr10-86919378-G-A. GRCh37 (hg19) VCF-style: chr10-88679135-G-A.
Other names: c.1075G>A, p.Ala359Thr (NM_001406580.1, NM_001406581.1, NM_001406566.1 and 19 more transcripts); c.1069G>A, p.Ala357Thr (NM_001406583.1); c.991G>A, p.Ala331Thr (NM_001406584.1, NM_001406585.1, NM_001406586.1 and 2 more transcripts); c.733G>A, p.Ala245Thr (NM_001406589.1); c.1150G>A, p.Ala384Thr (NM_001406559.1); c.1123G>A, p.Ala375Thr (NM_001406560.1); short protein forms A331T, A375T, A245T, A357T, A359T, A384T.
Identifiers: ClinVar variation 2694662 (VCV002694662.4), dbSNP rs2133592867, ClinGen allele CA377460781.